The following is an entry in ClinVar:

NM_001039213.4(CEACAM16):c.508G>A (p.Ala170Thr)

Genes: CEACAM16 (CEA cell adhesion molecule 16, tectorial membrane component; plus strand), CEACAM16-AS1 (CEACAM16, CEACAM19 and PVR antisense RNA 1; minus strand). Cytogenetic location: 19q13.32.
Variant type: single nucleotide variant.
Coding change: c.508G>A on transcript NM_001039213.4 (MANE Select); coding-DNA position 508, G replaced by A.
Protein change: p.Ala170Thr; replaces alanine 170 with threonine.
Molecular consequence: missense variant.
Genome position (GRCh38, 1-based): chr19:44,704,143, G>A. VCF-style: chr19-44704143-G-A. GRCh37 (hg19) VCF-style: chr19-45207413-G-A.
Other names: short protein forms A170T.
Identifiers: ClinVar variation 226508 (VCV000226508.46), dbSNP rs200297676, ClinGen allele CA9503076.

ClinVar aggregate classification (germline): Conflicting classifications of pathogenicity. Review status: criteria provided, conflicting classifications (1 of 4 stars). 8 submissions from 8 submitters: Uncertain significance (1); Benign (1); Likely benign (5). 1 of the submissions does not count toward it. Last evaluated 2026-06-01.

Conditions:
CEACAM16-related disorder. Also called: CEACAM16-related condition.
Inborn genetic diseases. Identifiers: MedGen C0950123, MeSH D030342.

Allele frequency attached by ClinVar (database versions not stated): gnomAD 0.00105 and 0.00115; TOPMed 0.00123; 1000 Genomes Project 30x 0.00125; 1000 Genomes Project 0.00140; ESP Exome Variant Server 0.00182; ExAC 0.00345.

Submissions (8):

CeGaT Center for Human Genetics Tuebingen
Classification: Likely benign. Last evaluated: 2026-06-01. Review status: criteria provided, single submitter. Criteria: CeGaT Center For Human Genetics Tuebingen Variant Classification Criteria Version 2. Collection method: clinical testing. Allele origin: germline. Affected: yes. Observed: 3 variant alleles.
Comment: CEACAM16: BP4

Labcorp Genetics (formerly Invitae), Labcorp
Classification: Likely benign. Last evaluated: 2026-01-05. Review status: criteria provided, single submitter. Criteria: Invitae Variant Classification Sherloc (09022015). Collection method: clinical testing. Allele origin: germline.

Ambry Genetics
Classification: Uncertain significance for Inborn genetic diseases. Last evaluated: 2025-10-15. Review status: criteria provided, single submitter. Criteria: Ambry Variant Classification Scheme 2023. Collection method: clinical testing. Allele origin: germline.

Blueprint Genetics
Classification: Likely benign. Last evaluated: 2024-11-21. Review status: criteria provided, single submitter. Criteria: ACMG Guidelines, 2015. Collection method: clinical testing. Allele origin: germline.

GeneDx
Classification: Likely benign. Last evaluated: 2021-07-13. Review status: criteria provided, single submitter. Criteria: GeneDx Variant Classification Process June 2021. Collection method: clinical testing. Allele origin: germline. Affected: yes.

Laboratory for Molecular Medicine, Mass General Brigham Personalized Medicine
Classification: Benign. Last evaluated: 2015-04-30. Review status: criteria provided, single submitter. Criteria: LMM Criteria. Collection method: clinical testing. Allele origin: germline. Observed: 3 variant alleles.
Comment: p.Ala170Thr in exon 4 of CEACAM16: This variant is not expected to have clinical significance because it has been identified in 0.48% (47/9884) South Asian chro mosomes by the Exome Aggregation Consortium (ExAC, g; dbSNP rs200297676), and because of a lack of conservation across species, inc luding mammals. Of note, squirrel, dolphin, killer whale, and armadillo have a t hreonine (Thr) at this position despite high nearby amino acid conservation. In addition, computational prediction tools do not suggest a high likelihood of imp act to the protein.

Breakthrough Genomics
Classification: Likely benign. Review status: criteria provided, single submitter. Criteria: ACMG Guidelines, 2015. Collection method: not provided. Allele origin: germline. Inheritance: Autosomal recessive inheritance. Affected: yes.

PreventionGenetics, part of Exact Sciences
Classification: Likely benign for CEACAM16-related condition. Last evaluated: 2023-10-17. Review status: no assertion criteria provided. Collection method: clinical testing. Allele origin: germline. Not counted in ClinVar's aggregate classification.
Comment: This variant is classified as likely benign based on ACMG/AMP sequence variant interpretation guidelines (Richards et al. 2015 PMID: 25741868, with internal and published modifications).